The following is an entry in ClinVar:

ClinVar aggregate classification (germline): Benign. Review status: criteria provided, multiple submitters, no conflicts (2 of 4 stars). 2 submissions from 2 submitters: Benign (2). Last evaluated 2018-06-14.

Allele frequency attached by ClinVar (database versions not stated): gnomAD 0.38380 and 0.38508; TOPMed 0.38568; 1000 Genomes Project 0.39457; 1000 Genomes Project 30x 0.39507; gnomAD exomes 0.40915.
gnomAD v4.1: 272,116 of 675,250 alleles (40%); highest among the groups gnomAD compares: East Asian, 51%; 55,605 homozygotes.

Submissions (2):

GeneDx
Classification: Benign. Last evaluated: 2018-06-14. Review status: criteria provided, single submitter. Criteria: GeneDx Variant Classification (06012015). Collection method: clinical testing. Allele origin: germline. Affected: yes.
Comment: This variant is considered likely benign or benign based on one or more of the following criteria: it is a conservative change, it occurs at a poorly conserved position in the protein, it is predicted to be benign by multiple in silico algorithms, and/or has population frequency not consistent with disease.

Breakthrough Genomics
Classification: Benign. Review status: criteria provided, single submitter. Criteria: ACMG Guidelines, 2015. Collection method: not provided. Allele origin: germline. Inheritance: Autosomal dominant inheritance. Affected: yes.

NM_001040142.2(SCN2A):c.3849+169A>G

Gene: SCN2A (sodium voltage-gated channel alpha subunit 2; plus strand). Cytogenetic location: 2q24.3.
Variant type: single nucleotide variant.
Coding change: c.3849+169A>G on transcript NM_001040142.2 (MANE Select); 169 bases into the intron after coding-DNA position 3849, A replaced by G.
Molecular consequence: intron variant.
Genome position (GRCh38, 1-based): chr2:165,370,468, A>G. VCF-style: chr2-165370468-A-G. GRCh37 (hg19) VCF-style: chr2-166226978-A-G.
Other names: c.3849+169A>G (NM_001040143.2, NM_001371246.1, NM_001371247.1 and 1 more transcripts).
Identifiers: ClinVar variation 669330 (VCV000669330.2), dbSNP rs2304012, ClinGen allele CA59734418.
Genomic context (GRCh38, chr2:165,370,468, plus strand): 5'-TAAATTATGTTTCTCATTTCACAGTGAGAGGATGCCTCAAAACATTTTTTACCAATTTAA[A>G]TACATATACATTCATAGATAAAAATCAAATGCCATCATACTATACTTATTCACTTAATTT-3'